The following is an entry in ClinVar:

NM_001018115.3(FANCD2):c.458T>C (p.Leu153Ser)

Genes: FANCD2 (FA complementation group D2; plus strand), LOC107303338 (3p25 FANCD2 Alu-mediated recombination region; plus strand). Cytogenetic location: 3p25.3.
Variant type: single nucleotide variant.
Coding change: c.458T>C on transcript NM_001018115.3 (MANE Select); coding-DNA position 458, T replaced by C.
Protein change: p.Leu153Ser; replaces leucine 153 with serine.
Molecular consequence: missense variant.
Genome position (GRCh38, 1-based): chr3:10,036,306, T>C. VCF-style: chr3-10036306-T-C. GRCh37 (hg19) VCF-style: chr3-10077990-T-C.
Other names: c.458T>C, p.Leu153Ser (NM_001319984.2, NM_001374253.1, NM_001374254.1 and 2 more transcripts); short protein forms L153S.
Identifiers: ClinVar variation 2892247 (VCV002892247.3), dbSNP rs765576835, ClinGen allele CA2249227.

ClinVar aggregate classification (germline): Pathogenic (1 of 4 stars; one submission).

Conditions:
Fanconi anemia (FA). Also called: Fanconi's anemia. Identifiers: Orphanet 84, MedGen C0015625, MeSH D005199, MONDO:0019391.

Allele frequency attached by ClinVar (database versions not stated): ExAC 0.00002; TOPMed 0.00001; gnomAD exomes 0.00001.
gnomAD v4.1: 21 of 1,613,080 alleles (0.0013%); highest among the groups gnomAD compares: Non-Finnish European, 0.0017%; no homozygotes.

Submission:

Labcorp Genetics (formerly Invitae), Labcorp
Classification: Pathogenic for Fanconi anemia. Last evaluated: 2025-05-28. Review status: criteria provided, single submitter. Criteria: Invitae Variant Classification Sherloc (09022015). Collection method: clinical testing. Allele origin: germline.
Comment: This sequence change replaces leucine, which is neutral and non-polar, with serine, which is neutral and polar, at codon 153 of the FANCD2 protein (p.Leu153Ser). This variant is present in population databases (rs765576835, gnomAD 0.0009%). This missense change has been observed in individual(s) with clinical features of Fanconi anemia (PMID: 17096012, 22829014, 24584348; internal data). In at least one individual the data is consistent with being in trans (on the opposite chromosome) from a pathogenic variant. ClinVar contains an entry for this variant (Variation ID: 2892247). Invitae Evidence Modeling of protein sequence and biophysical properties (such as structural, functional, and spatial information, amino acid conservation, physicochemical variation, residue mobility, and thermodynamic stability) indicates that this missense variant is expected to disrupt FANCD2 protein function with a positive predictive value of 80%. For these reasons, this variant has been classified as Pathogenic.

Literature cited by the submitters: PubMed 17096012; PubMed 22829014; PubMed 24584348.